The following is an entry in ClinVar:

NM_033132.5(ZIC5):c.786G>A (p.Ala262=)

Gene: ZIC5 (Zic family zinc finger 5; minus strand). Cytogenetic location: 13q32.3.
Variant type: single nucleotide variant.
Coding change: c.786G>A on transcript NM_033132.5 (MANE Select); coding-DNA position 786, G replaced by A.
Protein change: p.Ala262=; no amino-acid change (alanine 262 retained).
Molecular consequence: synonymous variant. On other transcripts: non-coding transcript variant (1).
Genome position (GRCh38, 1-based): chr13:99,970,818, C>T on the plus strand (G>A on the coding strand, the complement: ZIC5 is on the minus strand). VCF-style: chr13-99970818-C-T. GRCh37 (hg19) VCF-style: chr13-100623072-C-T.
Identifiers: ClinVar variation 2643892 (VCV002643892.24), dbSNP rs888971661, ClinGen allele CA255385370.
Genomic context (GRCh38, chr13:99,970,818, plus strand): 5'-CGGCGCGAAGGGCGGTTCGGCGCGGCCGTACAGCTCAGCCGCCGCGGCTGCCGCTGCCGC[C>T]GCCAGCCCCAGGCGCATCTGGCCGTTGAGCGGGTGCGGGTGGCCGCCTGGGGCCCCCGGC-3'
Protein context (NP_149123.3, residues 252-272): PLNGQMRLGL[Ala262=]AAAAAAAAEL

ClinVar aggregate classification (germline): Likely benign (1 of 4 stars; one submission).

Allele frequency attached by ClinVar (database versions not stated): TOPMed 0.00003; gnomAD 0.00005.
gnomAD v4.1: 75 of 1,217,274 alleles (0.0062%); highest among the groups gnomAD compares: Non-Finnish European, 0.0073%; no homozygotes.

Submission:

CeGaT Center for Human Genetics Tuebingen
Classification: Likely benign. Last evaluated: 2022-07-01. Review status: criteria provided, single submitter. Criteria: CeGaT Center For Human Genetics Tuebingen Variant Classification Criteria Version 2. Collection method: clinical testing. Allele origin: germline. Affected: yes. Observed: 1 variant allele.
Comment: ZIC5: BP4, BP7